The following is an entry in ClinVar:

ClinVar aggregate classification (germline): Uncertain significance (1 of 4 stars; one submission).

Conditions:
Parenti-mignot neurodevelopmental syndrome. Identifiers: MedGen C5676984, MONDO:0859249, OMIM 619873.

Submission:

Dasa
Classification: Uncertain significance for Parenti-mignot neurodevelopmental syndrome. Last evaluated: 2025-04-19. Review status: criteria provided, single submitter. Criteria: DASA Assertion Criteria. Collection method: clinical testing. Allele origin: germline.
Comment: NM_015557.3(CHD5):c.149A>G (p.Lys50Arg) is a missense variant that results in the substitution of lysine with arginine. This variant is absent from population databases. The currently available literature and clinical evidence are not sufficient to establish a definitive association between this variant and the reported condition. Therefore, this variant is classified as a variant of uncertain significance.

NM_015557.3(CHD5):c.149A>G (p.Lys50Arg)

Gene: CHD5 (chromodomain helicase DNA binding protein 5; minus strand). Cytogenetic location: 1p36.31.
Variant type: single nucleotide variant.
Coding change: c.149A>G on transcript NM_015557.3 (MANE Select); coding-DNA position 149, A replaced by G.
Protein change: p.Lys50Arg; replaces lysine 50 with arginine.
Molecular consequence: missense variant.
Genome position (GRCh38, 1-based): chr1:6,168,208, T>C on the plus strand (A>G on the coding strand, the complement: CHD5 is on the minus strand). VCF-style: chr1-6168208-T-C. GRCh37 (hg19) VCF-style: chr1-6228268-T-C.
Other names: short protein forms K50R.
Identifiers: ClinVar variation 4881566 (VCV004881566.2).